The following is an entry in ClinVar:

ClinVar aggregate classification (germline): Uncertain significance (1 of 4 stars; one submission).

Conditions:
Tuberous sclerosis 2 (TSC2). Identifiers: Orphanet 805, MedGen C1860707, MONDO:0013199, OMIM 613254.

Submission:

Labcorp Genetics (formerly Invitae), Labcorp
Classification: Uncertain significance for Tuberous sclerosis 2. Last evaluated: 2020-06-07. Review status: criteria provided, single submitter. Criteria: Invitae Variant Classification Sherloc (09022015). Collection method: clinical testing. Allele origin: germline.
Comment: In summary, the available evidence is currently insufficient to determine the role of this variant in disease. Therefore, it has been classified as a Variant of Uncertain Significance. Algorithms developed to predict the effect of missense changes on protein structure and function (SIFT, PolyPhen-2, Align-GVGD) all suggest that this variant is likely to be disruptive, but these predictions have not been confirmed by published functional studies and their clinical significance is uncertain. This variant has not been reported in the literature in individuals with TSC2-related conditions. This variant is not present in population databases (ExAC no frequency). This sequence change replaces tyrosine with cysteine at codon 602 of the TSC2 protein (p.Tyr602Cys). The tyrosine residue is highly conserved and there is a large physicochemical difference between tyrosine and cysteine.

NM_000548.5(TSC2):c.1805A>G (p.Tyr602Cys)

Gene: TSC2 (TSC complex subunit 2; plus strand). Cytogenetic location: 16p13.3.
Variant type: single nucleotide variant.
Coding change: c.1805A>G on transcript NM_000548.5 (MANE Select); coding-DNA position 1805, A replaced by G.
Protein change: p.Tyr602Cys; replaces tyrosine 602 with cysteine.
Molecular consequence: missense variant.
Genome position (GRCh38, 1-based): chr16:2,070,544, A>G. VCF-style: chr16-2070544-A-G. GRCh37 (hg19) VCF-style: chr16-2120545-A-G.
Other names: c.1805A>G, p.Tyr602Cys (NM_001077183.3, NM_001114382.3, NM_001363528.2 and 3 more transcripts); c.1694A>G, p.Tyr565Cys (NM_001318827.2); c.1658A>G, p.Tyr553Cys (NM_001318829.2); c.1205A>G, p.Tyr402Cys (NM_001318831.2); c.1838A>G, p.Tyr613Cys (NM_001318832.2); short protein forms Y402C, Y553C, Y565C, Y602C, Y613C.
Identifiers: ClinVar variation 645588 (VCV000645588.8), dbSNP rs1596336738, ClinGen allele CA394272960.